The following is an entry in ClinVar:

NM_001353453.3(CCDC160):c.462G>A (p.Leu154=)

Gene: CCDC160 (coiled-coil domain containing 160; plus strand). Cytogenetic location: Xq26.2.
Variant type: single nucleotide variant.
Coding change: c.462G>A on transcript NM_001353453.3 (MANE Select); coding-DNA position 462, G replaced by A.
Protein change: p.Leu154=; no amino-acid change (leucine 154 retained).
Molecular consequence: synonymous variant.
Genome position (GRCh38, 1-based): chrX:134,245,262, G>A. VCF-style: chrX-134245262-G-A. GRCh37 (hg19) VCF-style: chrX-133379292-G-A.
Other names: c.462G>A, p.Leu154= (NM_001101357.3, NM_001393996.1).
Identifiers: ClinVar variation 2661471 (VCV002661471.24), dbSNP rs371886469, ClinGen allele CA10521072.

ClinVar aggregate classification (germline): Likely benign (1 of 4 stars; one submission).

Allele frequency attached by ClinVar (database versions not stated): 1000 Genomes Project 30x 0.00021; 1000 Genomes Project 0.00026; gnomAD 0.00051; ESP Exome Variant Server 0.00054; TOPMed 0.00062; ExAC 0.00068; gnomAD exomes 0.00076.
gnomAD v4.1: 873 of 1,190,703 alleles (0.073%); highest among the groups gnomAD compares: Middle Eastern, 0.23%; no homozygotes.

Submission:

CeGaT Center for Human Genetics Tuebingen
Classification: Likely benign. Last evaluated: 2023-02-01. Review status: criteria provided, single submitter. Criteria: CeGaT Center For Human Genetics Tuebingen Variant Classification Criteria Version 2. Collection method: clinical testing. Allele origin: germline. Affected: yes. Observed: 1 variant allele.
Comment: CCDC160: BP4, BP7, BS2